The following is an entry in ClinVar:

ClinVar aggregate classification (germline): Uncertain significance (1 of 4 stars; one submission).

Submission:

GeneDx
Classification: Uncertain significance. Last evaluated: 2024-11-24. Review status: criteria provided, single submitter. Criteria: GeneDx Variant Classification Process June 2021. Collection method: clinical testing. Allele origin: germline. Affected: yes.
Comment: Not observed at significant frequency in large population cohorts (gnomAD); In silico analysis indicates that this missense variant does not alter protein structure/function; Has not been previously published as pathogenic or benign to our knowledge

NM_014159.7(SETD2):c.5762A>T (p.Glu1921Val)

Gene: SETD2 (SET domain containing 2, histone lysine methyltransferase; minus strand). Cytogenetic location: 3p21.31.
Variant type: single nucleotide variant.
Coding change: c.5762A>T on transcript NM_014159.7 (MANE Select); coding-DNA position 5762, A replaced by T.
Protein change: p.Glu1921Val; replaces glutamic acid 1921 with valine.
Molecular consequence: missense variant. On other transcripts: non-coding transcript variant (1).
Genome position (GRCh38, 1-based): chr3:47,084,018, T>A on the plus strand (A>T on the coding strand, the complement: SETD2 is on the minus strand). VCF-style: chr3-47084018-T-A. GRCh37 (hg19) VCF-style: chr3-47125508-T-A.
Other names: c.5630A>T, p.Glu1877Val (NM_001349370.3); short protein forms E1877V, E1921V.
Identifiers: ClinVar variation 3900173 (VCV003900173.1).